The following is an entry in ClinVar:

NM_001134363.3(RBM20):c.3666C>G (p.Phe1222Leu)

Gene: RBM20 (RNA binding motif protein 20; plus strand). Cytogenetic location: 10q25.2.
Variant type: single nucleotide variant.
Coding change: c.3666C>G on transcript NM_001134363.3 (MANE Select); coding-DNA position 3666, C replaced by G.
Protein change: p.Phe1222Leu; replaces phenylalanine 1222 with leucine.
Molecular consequence: missense variant.
Genome position (GRCh38, 1-based): chr10:110,835,960, C>G. VCF-style: chr10-110835960-C-G. GRCh37 (hg19) VCF-style: chr10-112595718-C-G.
Other names: short protein forms F1222L.
Identifiers: ClinVar variation 1733723 (VCV001733723.8), dbSNP rs558440936, ClinGen allele CA213237219.
Genomic context (GRCh38, chr10:110,835,960, plus strand): 5'-CAAGGAGACCGAGGGGGCAGATAGCCCGAGGCCAGAGGACAGCGGAATCGTGCCACGCTT[C>G]GAAAGGAAAAAGCTCTGATGCTTCTGCTTCTGCTGCTACTGCTGCTGCTGCAAGGTTGGA-3'
Protein context (NP_001127835.2, residues 1212-1227): RPEDSGIVPR[Phe1222Leu]ERKKL

ClinVar aggregate classification (germline): Conflicting classifications of pathogenicity. Review status: criteria provided, conflicting classifications (1 of 4 stars). 3 submissions from 3 submitters: Uncertain significance (2); Benign (1). Last evaluated 2026-01-11.

Conditions:
Cardiovascular phenotype. Identifiers: MedGen CN230736.
Dilated cardiomyopathy 1DD (CMD1DD). Identifiers: Orphanet 154, MedGen C2750995, MONDO:0013168, OMIM 613172.

Allele frequency attached by ClinVar (database versions not stated): gnomAD exomes below 0.00001.
gnomAD v4.1: 3 of 1,306,480 alleles (0.00023%); highest among the groups gnomAD compares: African/African-American, 0.0045%; no homozygotes.

Submissions (3):

Labcorp Genetics (formerly Invitae), Labcorp
Classification: Benign for Dilated cardiomyopathy 1DD. Last evaluated: 2026-01-11. Review status: criteria provided, single submitter. Criteria: Invitae Variant Classification Sherloc (09022015). Collection method: clinical testing. Allele origin: germline.

GeneDx
Classification: Uncertain significance. Last evaluated: 2023-12-27. Review status: criteria provided, single submitter. Criteria: GeneDx Variant Classification Process June 2021. Collection method: clinical testing. Allele origin: germline. Affected: yes.
Comment: Has not been previously published as pathogenic or benign to our knowledge; Not observed at significant frequency in large population cohorts (gnomAD); In silico analysis supports that this missense variant does not alter protein structure/function

Ambry Genetics
Classification: Uncertain significance for Cardiovascular phenotype. Last evaluated: 2020-06-26. Review status: criteria provided, single submitter. Criteria: Ambry Variant Classification Scheme 2023. Collection method: clinical testing. Allele origin: germline.
Comment: The p.F1222L variant (also known as c.3666C>G), located in coding exon 14 of the RBM20 gene, results from a C to G substitution at nucleotide position 3666. The phenylalanine at codon 1222 is replaced by leucine, an amino acid with highly similar properties. This amino acid position is well conserved in available vertebrate species; however, leucine is the reference amino acid in other vertebrate species. In addition, this alteration is predicted to be tolerated by in silico analysis. Since supporting evidence is limited at this time, the clinical significance of this alteration remains unclear.